The following is an entry in ClinVar:

NM_004360.5(CDH1):c.1703C>G (p.Thr568Arg)

Gene: CDH1 (cadherin 1; plus strand). Cytogenetic location: 16q22.1.
Variant type: single nucleotide variant.
Coding change: c.1703C>G on transcript NM_004360.5 (MANE Select); coding-DNA position 1703, C replaced by G.
Protein change: p.Thr568Arg; replaces threonine 568 with arginine.
Molecular consequence: missense variant. On other transcripts: intron variant (1).
Genome position (GRCh38, 1-based): chr16:68,819,417, C>G. VCF-style: chr16-68819417-C-G. GRCh37 (hg19) VCF-style: chr16-68853320-C-G.
Other names: NM_004360.5(CDH1):c.1703C>G; p.Thr568Arg; c.1703C>G (LRG_301t1); c.1520C>G, p.Thr507Arg (NM_001317184.2); c.155C>G, p.Thr52Arg (NM_001317185.2); c.-254-2584C>G (NM_001317186.2); short protein forms T568R, T507R, T52R.
Identifiers: ClinVar variation 428619 (VCV000428619.15), dbSNP rs786202712, ClinGen allele CA396465435.

ClinVar aggregate classification (germline): Likely pathogenic. Review status: reviewed by expert panel (3 of 4 stars). 3 submissions from 3 submitters: Likely pathogenic (1). 2 of the submissions do not count toward it. Last evaluated 2023-08-03.

Conditions:
CDH1-related diffuse gastric and lobular breast cancer syndrome. Also called: CDH1-related diffuse gastric and lobular breast cancer. Identifiers: MedGen CN311521, MONDO:0100488.
Hereditary cancer-predisposing syndrome. Also called: Hereditary neoplastic syndrome; Tumor predisposition; Neoplastic Syndromes, Hereditary; Hereditary Cancer Syndrome. Identifiers: Orphanet 140162, MedGen C0027672, MeSH D009386, MONDO:0015356.
Hereditary diffuse gastric adenocarcinoma (HDGC). Also called: DIFFUSE GASTRIC AND LOBULAR BREAST CANCER SYNDROME. Identifiers: Orphanet 26106, MedGen C1708349, MONDO:0007648, OMIM 137215.

Submissions (3):

Clingen Gastric Cancer Variant Curation Expert Panel
Classification: Likely pathogenic for CDH1-related diffuse gastric and lobular breast cancer syndrome. Last evaluated: 2023-08-03. Review status: reviewed by expert panel. Criteria: ClinGen CDH1 ACMG Specifications V3.1. Collection method: curation. Allele origin: germline. Inheritance: Autosomal dominant inheritance.
Comment: The c.1703C>G (p.Thr568Arg) missense variant is absent in the gnomAD v2.1.1 cohort (PM2_Supporting). This variant has been observed in two probands meeting HDGC phenotype criteria (PS4_Moderate; SCV000580691.5). RNA data indicates abnormal splicing resulting in an abnormal out-of-frame transcript (PS3, internal lab contributor). In summary, this variant meets criteria to be classified as Likely Pathogenic based on the ACMG/AMP criteria applied as specified by the CDH1 Variant Curation Expert Panel: PS3, PS4_Moderate, PM2_Supporting. (CDH1 VCEP specifications version 3.1; 03/27/2023)

Labcorp Genetics (formerly Invitae), Labcorp
Classification: Uncertain significance for Hereditary diffuse gastric adenocarcinoma. Last evaluated: 2024-04-25. Review status: criteria provided, single submitter. Criteria: Invitae Variant Classification Sherloc (09022015). Collection method: clinical testing. Allele origin: germline. Not counted in ClinVar's aggregate classification.
Comment: This sequence change replaces threonine, which is neutral and polar, with arginine, which is basic and polar, at codon 568 of the CDH1 protein (p.Thr568Arg). This variant is not present in population databases (gnomAD no frequency). This missense change has been observed in individual(s) with diffuse gastric cancer (PMID: 31642931). ClinVar contains an entry for this variant (Variation ID: 428619). An algorithm developed to predict the effect of missense changes on protein structure and function (PolyPhen-2) suggests that this variant is likely to be disruptive. In summary, the available evidence is currently insufficient to determine the role of this variant in disease. Therefore, it has been classified as a Variant of Uncertain Significance.

Ambry Genetics
Classification: Likely pathogenic for Hereditary cancer-predisposing syndrome. Last evaluated: 2020-12-14. Review status: criteria provided, single submitter. Criteria: Ambry Variant Classification Scheme 2023. Collection method: clinical testing. Allele origin: germline. Not counted in ClinVar's aggregate classification.
Comment: The p.T568R variant (also known as c.1703C>G), located in coding exon 11 of the CDH1 gene, results from a C to G substitution at nucleotide position 1703. The threonine at codon 568 is replaced by arginine, an amino acid with similar properties. This nucleotide position is not well conserved in available vertebrate species, and using the BDGP and ESEfinder splice site prediction tools, this alteration is not predicted to have any significant effect on this splice donor site. However, RNA studies have demonstrated this alteration results in abnormal splicing in the set of samples tested (Ambry internal data). Based on the majority of available evidence to date, this variant is likely to be pathogenic.

Literature cited by the submitters: PubMed 31642931 (cited by Labcorp Genetics (formerly Invitae), Labcorp).